The following is an entry in ClinVar:

NM_033225.6(CSMD1):c.2811G>C (p.Lys937Asn)

Gene: CSMD1 (CUB and Sushi multiple domains 1; minus strand). Cytogenetic location: 8p23.2.
Variant type: single nucleotide variant.
Coding change: c.2811G>C on transcript NM_033225.6 (MANE Select); coding-DNA position 2811, G replaced by C.
Protein change: p.Lys937Asn; replaces lysine 937 with asparagine.
Molecular consequence: missense variant.
Genome position (GRCh38, 1-based): chr8:3,369,342, C>G on the plus strand (G>C on the coding strand, the complement: CSMD1 is on the minus strand). VCF-style: chr8-3369342-C-G. GRCh37 (hg19) VCF-style: chr8-3226864-C-G.
Other names: short protein forms K937N.
Identifiers: ClinVar variation 788547 (VCV000788547.7), dbSNP rs115021133, ClinGen allele CA4608137.

ClinVar aggregate classification (germline): Benign. Review status: criteria provided, multiple submitters, no conflicts (2 of 4 stars). 3 submissions from 3 submitters: Benign (2). 1 of the submissions does not count toward it. Last evaluated 2019-12-31.

Conditions:
CSMD1-related disorder. Also called: CSMD1-related condition.

Allele frequency attached by ClinVar (database versions not stated): gnomAD exomes 0.00239; ExAC 0.00338; gnomAD 0.01021 and 0.01092; ESP Exome Variant Server 0.01095; TOPMed 0.01134; 1000 Genomes Project 0.01238; 1000 Genomes Project 30x 0.01265.
gnomAD v4.1: 3,000 of 1,597,798 alleles (0.19%); highest among the groups gnomAD compares: African/African-American, 3.6%; 41 homozygotes.

Submissions (3):

Labcorp Genetics (formerly Invitae), Labcorp
Classification: Benign. Last evaluated: 2019-12-31. Review status: criteria provided, single submitter. Criteria: Invitae Variant Classification Sherloc (09022015). Collection method: clinical testing. Allele origin: germline.

Breakthrough Genomics
Classification: Benign. Review status: criteria provided, single submitter. Criteria: ACMG Guidelines, 2015. Collection method: not provided. Allele origin: germline. Inheritance: Unknown mechanism. Affected: yes.

PreventionGenetics, part of Exact Sciences
Classification: Likely benign for CSMD1-related condition. Last evaluated: 2019-05-24. Review status: no assertion criteria provided. Collection method: clinical testing. Allele origin: germline. Not counted in ClinVar's aggregate classification.
Comment: This variant is classified as likely benign based on ACMG/AMP sequence variant interpretation guidelines (Richards et al. 2015 PMID: 25741868, with internal and published modifications).